The following is an entry in ClinVar:

ClinVar aggregate classification (germline): Uncertain significance (1 of 4 stars; one submission).

Allele frequency attached by ClinVar (database versions not stated): gnomAD exomes below 0.00001.
gnomAD v4.1: 1 of 1,613,980 alleles (0.000062%); highest among the groups gnomAD compares: Non-Finnish European, 0.000085%; no homozygotes.

Submission:

Labcorp Genetics (formerly Invitae), Labcorp
Classification: Uncertain significance. Last evaluated: 2023-11-17. Review status: criteria provided, single submitter. Criteria: Invitae Variant Classification Sherloc (09022015). Collection method: clinical testing. Allele origin: germline.
Comment: This sequence change replaces tryptophan, which is neutral and slightly polar, with arginine, which is basic and polar, at codon 216 of the DLX3 protein (p.Trp216Arg). This variant is not present in population databases (gnomAD no frequency). This variant has not been reported in the literature in individuals affected with DLX3-related conditions. Advanced modeling of protein sequence and biophysical properties (such as structural, functional, and spatial information, amino acid conservation, physicochemical variation, residue mobility, and thermodynamic stability) performed at Invitae indicates that this missense variant is expected to disrupt DLX3 protein function with a positive predictive value of 80%. In summary, the available evidence is currently insufficient to determine the role of this variant in disease. Therefore, it has been classified as a Variant of Uncertain Significance.

NM_005220.3(DLX3):c.646T>A (p.Trp216Arg)

Gene: DLX3 (distal-less homeobox 3; minus strand). Cytogenetic location: 17q21.33.
Variant type: single nucleotide variant.
Coding change: c.646T>A on transcript NM_005220.3 (MANE Select); coding-DNA position 646, T replaced by A.
Protein change: p.Trp216Arg; replaces tryptophan 216 with arginine.
Molecular consequence: missense variant.
Genome position (GRCh38, 1-based): chr17:49,991,735, A>T on the plus strand (T>A on the coding strand, the complement: DLX3 is on the minus strand). VCF-style: chr17-49991735-A-T. GRCh37 (hg19) VCF-style: chr17-48069099-A-T.
Other names: short protein forms W216R.
Identifiers: ClinVar variation 2696511 (VCV002696511.3), dbSNP rs2544346823, ClinGen allele CA400174020.